The following is an entry in ClinVar:

ClinVar aggregate classification (germline): Uncertain significance (1 of 4 stars; one submission).

Allele frequency attached by ClinVar (database versions not stated): ExAC 0.00001; gnomAD exomes 0.00002 and below 0.00001; TOPMed below 0.00001; ESP Exome Variant Server 0.00008.
gnomAD v4.1: 25 of 1,614,120 alleles (0.0015%); highest among the groups gnomAD compares: Non-Finnish European, 0.0021%; no homozygotes.

Submission:

Labcorp Genetics (formerly Invitae), Labcorp
Classification: Uncertain significance. Last evaluated: 2021-08-19. Review status: criteria provided, single submitter. Criteria: Invitae Variant Classification Sherloc (09022015). Collection method: clinical testing. Allele origin: germline.
Comment: This variant has not been reported in the literature in individuals affected with KCNV2-related conditions. This sequence change replaces alanine with glycine at codon 479 of the KCNV2 protein (p.Ala479Gly). The alanine residue is highly conserved and there is a small physicochemical difference between alanine and glycine. This variant is present in population databases (rs369942348, ExAC 0.01%). Advanced modeling of protein sequence and biophysical properties (such as structural, functional, and spatial information, amino acid conservation, physicochemical variation, residue mobility, and thermodynamic stability) performed at Invitae indicates that this missense variant is not expected to disrupt KCNV2 protein function. In summary, the available evidence is currently insufficient to determine the role of this variant in disease. Therefore, it has been classified as a Variant of Uncertain Significance.

NM_133497.4(KCNV2):c.1436C>G (p.Ala479Gly)

Gene: KCNV2 (potassium voltage-gated channel modifier subfamily V member 2; plus strand). Cytogenetic location: 9p24.2.
Variant type: single nucleotide variant.
Coding change: c.1436C>G on transcript NM_133497.4 (MANE Select); coding-DNA position 1436, C replaced by G.
Protein change: p.Ala479Gly; replaces alanine 479 with glycine.
Molecular consequence: missense variant.
Genome position (GRCh38, 1-based): chr9:2,729,525, C>G. VCF-style: chr9-2729525-C-G. GRCh37 (hg19) VCF-style: chr9-2729525-C-G.
Other names: short protein forms A479G.
Identifiers: ClinVar variation 1500793 (VCV001500793.6), dbSNP rs369942348, ClinGen allele CA4965921.
Genomic context (GRCh38, chr9:2,729,525, plus strand): 5'-GCTACGGAGACATGTACCCAGAGACCCACCTGGGCAGGTTTTTTGCCTTCCTCTGCATTG[C>G]TTTTGGGATCATTCTCAACGGGATGCCCATTTCCATCCTCTACAACAAGTTTTCTGATTA-3'
Protein context (NP_598004.1, residues 469-489): LGRFFAFLCI[Ala479Gly]FGIILNGMPI